The following is an entry in ClinVar:

NM_001018115.3(FANCD2):c.2320A>C (p.Met774Leu)

Genes: FANCD2 (FA complementation group D2; plus strand), LOC107303338 (3p25 FANCD2 Alu-mediated recombination region; plus strand). Cytogenetic location: 3p25.3.
Variant type: single nucleotide variant.
Coding change: c.2320A>C on transcript NM_001018115.3 (MANE Select); coding-DNA position 2320, A replaced by C.
Protein change: p.Met774Leu; replaces methionine 774 with leucine.
Molecular consequence: missense variant.
Genome position (GRCh38, 1-based): chr3:10,065,914, A>C. VCF-style: chr3-10065914-A-C. GRCh37 (hg19) VCF-style: chr3-10107598-A-C.
Other names: c.2320A>C, p.Met774Leu (NM_001319984.2, NM_001374254.1, NM_033084.6); c.2209A>C, p.Met737Leu (NM_001374253.1); short protein forms M774L, M737L.
Identifiers: ClinVar variation 4715050 (VCV004715050.1).
Genomic context (GRCh38, chr3:10,065,914, plus strand): 5'-TCTCTCTCAGATTGTCCTATATTCCTAACTGACCTGGAGCCTGGAGAGAAGTTGGAGTCC[A>C]TGTCTGCTAAAGAGCGTTCATTCATGTGTTCTCTCATATTTCTTACTCTCAACTGGTTCC-3'
Protein context (NP_001018125.1, residues 764-784): DLEPGEKLES[Met774Leu]SAKERSFMCS

ClinVar aggregate classification (germline): Uncertain significance (1 of 4 stars; one submission).

Conditions:
Fanconi anemia (FA). Also called: Fanconi's anemia. Identifiers: Orphanet 84, MedGen C0015625, MeSH D005199, MONDO:0019391.

Submission:

Labcorp Genetics (formerly Invitae), Labcorp
Classification: Uncertain significance for Fanconi anemia. Last evaluated: 2025-03-25. Review status: criteria provided, single submitter. Criteria: Invitae Variant Classification Sherloc (09022015). Collection method: clinical testing. Allele origin: germline.
Comment: This sequence change replaces methionine, which is neutral and non-polar, with leucine, which is neutral and non-polar, at codon 774 of the FANCD2 protein (p.Met774Leu). This variant is not present in population databases (gnomAD no frequency). This variant has not been reported in the literature in individuals affected with FANCD2-related conditions. Invitae Evidence Modeling of protein sequence and biophysical properties (such as structural, functional, and spatial information, amino acid conservation, physicochemical variation, residue mobility, and thermodynamic stability) indicates that this missense variant is not expected to disrupt FANCD2 protein function with a negative predictive value of 80%. In summary, the available evidence is currently insufficient to determine the role of this variant in disease. Therefore, it has been classified as a Variant of Uncertain Significance.